The following is an entry in ClinVar:

NM_004273.5(CHST3):c.7A>G (p.Lys3Glu)

Gene: CHST3 (carbohydrate sulfotransferase 3; plus strand). Cytogenetic location: 10q22.1.
Variant type: single nucleotide variant.
Coding change: c.7A>G on transcript NM_004273.5 (MANE Select); coding-DNA position 7, A replaced by G.
Protein change: p.Lys3Glu; replaces lysine 3 with glutamic acid.
Molecular consequence: missense variant.
Genome position (GRCh38, 1-based): chr10:72,005,849, A>G. VCF-style: chr10-72005849-A-G. GRCh37 (hg19) VCF-style: chr10-73765607-A-G.
Other names: short protein forms K3E.
Identifiers: ClinVar variation 282999 (VCV000282999.7), dbSNP rs199515173, ClinGen allele CA5547984.
Genomic context (GRCh38, chr10:72,005,849, plus strand): 5'-TCAGCTGAGTGTCCAAGGCTGGCCCGAGGAGCCCCCACGGCCCCACCTTTCCCCATGGAG[A>G]AAGGACTCACTTTGCCCCAGGACTGCCGGGACTTTGTGCACAGCCTGAAGATGAGAAGCA-3'
Protein context (NP_004264.2, residues 1-13): ME[Lys3Glu]GLTLPQDCRD

ClinVar aggregate classification (germline): Uncertain significance. Review status: criteria provided, multiple submitters, no conflicts (2 of 4 stars). 2 submissions from 2 submitters: Uncertain significance (2). Last evaluated 2022-10-08.

Conditions:
Spondyloepiphyseal dysplasia with congenital joint dislocations (SEDCJD). Also called: Chondrodysplasia with Congenital Joint Dislocations, CHST3-Related. Identifiers: Orphanet 263463, MedGen C1837657, MONDO:0007738, OMIM 143095.

Allele frequency attached by ClinVar (database versions not stated): ExAC 0.00002; gnomAD 0.00004; TOPMed 0.00009; ESP Exome Variant Server 0.00023.

Submissions (2):

Labcorp Genetics (formerly Invitae), Labcorp
Classification: Uncertain significance for Spondyloepiphyseal dysplasia with congenital joint dislocations. Last evaluated: 2022-10-08. Review status: criteria provided, single submitter. Criteria: Invitae Variant Classification Sherloc (09022015). Collection method: clinical testing. Allele origin: germline.
Comment: This sequence change replaces lysine, which is basic and polar, with glutamic acid, which is acidic and polar, at codon 3 of the CHST3 protein (p.Lys3Glu). This variant is present in population databases (rs199515173, gnomAD 0.02%). This variant has not been reported in the literature in individuals affected with CHST3-related conditions. ClinVar contains an entry for this variant (Variation ID: 282999). Algorithms developed to predict the effect of missense changes on protein structure and function (SIFT, PolyPhen-2, Align-GVGD) all suggest that this variant is likely to be tolerated. In summary, the available evidence is currently insufficient to determine the role of this variant in disease. Therefore, it has been classified as a Variant of Uncertain Significance.

Eurofins Ntd Llc (ga)
Classification: Uncertain significance. Last evaluated: 2015-09-17. Review status: criteria provided, single submitter. Criteria: EGL Classification Definitions 2015. Collection method: clinical testing. Allele origin: germline. Observed: 1 variant allele, 1 heterozygote.